The following is an entry in ClinVar:

ClinVar aggregate classification (germline): Uncertain significance. Review status: criteria provided, multiple submitters, no conflicts (2 of 4 stars). 2 submissions from 2 submitters: Uncertain significance (2). Last evaluated 2025-07-10.

Conditions:
EGFR-related lung cancer (EGFR). Identifiers: MedGen CN130014.
Hereditary cancer-predisposing syndrome. Also called: Neoplastic Syndromes, Hereditary; Tumor predisposition; Hereditary Cancer Syndrome; Hereditary neoplastic syndrome. Identifiers: Orphanet 140162, MedGen C0027672, MeSH D009386, MONDO:0015356.

Allele frequency attached by ClinVar (database versions not stated): gnomAD exomes below 0.00001.

Submissions (2):

Ambry Genetics
Classification: Uncertain significance for Hereditary cancer-predisposing syndrome. Last evaluated: 2025-07-10. Review status: criteria provided, single submitter. Criteria: Ambry Variant Classification Scheme 2023. Collection method: clinical testing. Allele origin: germline.
Comment: The p.S991N variant (also known as c.2972G>A), located in coding exon 25 of the EGFR gene, results from a G to A substitution at nucleotide position 2972. The serine at codon 991 is replaced by asparagine, an amino acid with highly similar properties. This amino acid position is highly conserved in available vertebrate species. In addition, this alteration is predicted to be tolerated by in silico analysis. Based on the available evidence, the clinical significance of this variant remains unclear.

Labcorp Genetics (formerly Invitae), Labcorp
Classification: Uncertain significance for EGFR-related lung cancer. Last evaluated: 2023-02-16. Review status: criteria provided, single submitter. Criteria: Invitae Variant Classification Sherloc (09022015). Collection method: clinical testing. Allele origin: germline.
Comment: This variant has not been reported in the literature in individuals affected with EGFR-related conditions. Advanced modeling of protein sequence and biophysical properties (such as structural, functional, and spatial information, amino acid conservation, physicochemical variation, residue mobility, and thermodynamic stability) performed at Invitae indicates that this missense variant is not expected to disrupt EGFR protein function. Algorithms developed to predict the effect of sequence changes on RNA splicing suggest that this variant may create or strengthen a splice site. In summary, the available evidence is currently insufficient to determine the role of this variant in disease. Therefore, it has been classified as a Variant of Uncertain Significance. This variant is not present in population databases (gnomAD no frequency). This sequence change replaces serine, which is neutral and polar, with asparagine, which is neutral and polar, at codon 991 of the EGFR protein (p.Ser991Asn).

NM_005228.5(EGFR):c.2972G>A (p.Ser991Asn)

Gene: EGFR (epidermal growth factor receptor; plus strand). Cytogenetic location: 7p11.2.
Variant type: single nucleotide variant.
Coding change: c.2972G>A on transcript NM_005228.5 (MANE Select); coding-DNA position 2972, G replaced by A.
Protein change: p.Ser991Asn; replaces serine 991 with asparagine.
Molecular consequence: missense variant.
Genome position (GRCh38, 1-based): chr7:55,201,213, G>A. VCF-style: chr7-55201213-G-A. GRCh37 (hg19) VCF-style: chr7-55268906-G-A.
Other names: c.2837G>A, p.Ser946Asn (NM_001346897.2, NM_001346899.2); c.2972G>A, p.Ser991Asn (NM_001346898.2); c.2813G>A, p.Ser938Asn (NM_001346900.2); c.2171G>A, p.Ser724Asn (NM_001346941.2); short protein forms S724N, S938N, S991N, S946N.
Identifiers: ClinVar variation 2831997 (VCV002831997.4), dbSNP rs1787831699, ClinGen allele CA367582386.
Genomic context (GRCh38, chr7:55,201,213, plus strand): 5'-GGGCCATTCTAATAGCCTCAAAATCTCTGCACCAGGGGGATGAAAGAATGCATTTGCCAA[G>A]TCCTACAGACTCCAACTTCTACCGTGCCCTGATGGATGAAGAAGACATGGACGACGTGGT-3'
Protein context (NP_005219.2, residues 981-1001): IQGDERMHLP[Ser991Asn]PTDSNFYRAL